The following is an entry in ClinVar:

NM_001242957.3(MAK):c.400_402dup (p.Met134dup)

Gene: MAK (male germ cell associated kinase; minus strand). Cytogenetic location: 6p24.2.
Variant type: Duplication.
Coding change: c.400_402dup on transcript NM_001242957.3 (MANE Select); coding-DNA positions 400 to 402, 3 bases duplicated (ATG; older notation c.400_402dupATG).
Protein change: p.Met134dup; duplicates methionine 134.
Molecular consequence: inframe insertion. On other transcripts: non-coding transcript variant (2).
Genome position (GRCh38, 1-based): chr6:10,808,899-10,808,901, CAT duplicated on the plus strand (ATG on the coding strand, the reverse complement: MAK is on the minus strand). VCF-style (leftmost placement, unchanged base first): chr6-10808898-C-CCAT. GRCh37 (hg19) VCF-style: chr6-10809131-C-CCAT.
Other names: c.400_402dup, p.Met134dup (NM_001242385.2, NM_005906.6); c.298_300dup, p.Met100dup (NM_001377262.1).
Identifiers: ClinVar variation 1395216 (VCV001395216.6), dbSNP rs772837652, ClinGen allele CA3633729.

ClinVar aggregate classification (germline): Uncertain significance (1 of 4 stars; one submission).

Allele frequency attached by ClinVar (database versions not stated): ExAC 0.00001; gnomAD exomes 0.00001.

Submission:

Labcorp Genetics (formerly Invitae), Labcorp
Classification: Uncertain significance. Last evaluated: 2022-11-15. Review status: criteria provided, single submitter. Criteria: Invitae Variant Classification Sherloc (09022015). Collection method: clinical testing. Allele origin: germline.
Comment: This variant is present in population databases (rs772837652, gnomAD 0.002%). In summary, the available evidence is currently insufficient to determine the role of this variant in disease. Therefore, it has been classified as a Variant of Uncertain Significance. Experimental studies and prediction algorithms are not available or were not evaluated, and the functional significance of this variant is currently unknown. ClinVar contains an entry for this variant (Variation ID: 1395216). This variant has not been reported in the literature in individuals affected with MAK-related conditions. This variant, c.400_402dup, results in the insertion of 1 amino acid(s) of the MAK protein (p.Met134dup), but otherwise preserves the integrity of the reading frame.